The following is an entry in ClinVar:

NM_000059.4(BRCA2):c.7013C>T (p.Thr2338Ile)

Gene: BRCA2 (BRCA2 DNA repair associated; plus strand). Cytogenetic location: 13q13.1.
Variant type: single nucleotide variant.
Coding change: c.7013C>T on transcript NM_000059.4 (MANE Select); coding-DNA position 7013, C replaced by T.
Protein change: p.Thr2338Ile; replaces threonine 2338 with isoleucine.
Molecular consequence: missense variant. On other transcripts: non-coding transcript variant (1).
Genome position (GRCh38, 1-based): chr13:32,354,866, C>T. VCF-style: chr13-32354866-C-T. GRCh37 (hg19) VCF-style: chr13-32929003-C-T.
Other names: c.6917C>T, p.Thr2306Ile (NM_001406719.1); c.7013C>T, p.Thr2338Ile (NM_001406720.1, NM_001432077.1); c.2081C>T, p.Thr694Ile (NM_001406721.1); c.596C>T, p.Thr199Ile (NM_001406722.1); short protein forms T199I, T2306I, T2338I, T694I.
Identifiers: ClinVar variation 3894148 (VCV003894148.2).

ClinVar aggregate classification (germline): Uncertain significance. Review status: criteria provided, multiple submitters, no conflicts (2 of 4 stars). 2 submissions from 2 submitters: Uncertain significance (2). Last evaluated 2025-06-17.

Conditions:
Hereditary cancer-predisposing syndrome. Also called: Neoplastic Syndromes, Hereditary; Tumor predisposition; Hereditary Cancer Syndrome; Hereditary neoplastic syndrome. Identifiers: Orphanet 140162, MedGen C0027672, MeSH D009386, MONDO:0015356.

Submissions (2):

Ambry Genetics
Classification: Uncertain significance for Hereditary cancer-predisposing syndrome. Last evaluated: 2025-06-17. Review status: criteria provided, single submitter. Criteria: Ambry Variant Classification Scheme 2023. Collection method: clinical testing. Allele origin: germline.
Comment: The p.T2338I variant (also known as c.7013C>T), located in coding exon 13 of the BRCA2 gene, results from a C to T substitution at nucleotide position 7013. The threonine at codon 2338 is replaced by isoleucine, an amino acid with similar properties. This amino acid position is not well conserved in available vertebrate species. In addition, the in silico prediction for this alteration is inconclusive. Based on the available evidence, the clinical significance of this variant remains unclear.

Color Diagnostics, LLC DBA Color Health
Classification: Uncertain significance for Hereditary cancer-predisposing syndrome. Last evaluated: 2023-08-28. Review status: criteria provided, single submitter. Criteria: ACMG Guidelines, 2015. Collection method: clinical testing. Allele origin: germline.
Comment: This missense variant replaces threonine with isoleucine at codon 2338 in the BRCA2 protein. Computational prediction suggests that this variant may not impact protein structure and function (internally defined REVEL score threshold <= 0.5, PMID: 27666373). To our knowledge, functional studies have not been reported for this variant. This variant has not been reported in individuals affected with BRCA2-related disorders in the literature. This variant has not been identified in the general population by the Genome Aggregation Database (gnomAD). The available evidence is insufficient to determine the role of this variant in disease conclusively. Therefore, this variant is classified as a Variant of Uncertain Significance.